The following is an entry in ClinVar:

NM_016013.4(NDUFAF1):c.586A>C (p.Arg196=)

Gene: NDUFAF1 (NADH:ubiquinone oxidoreductase complex assembly factor 1; minus strand). Cytogenetic location: 15q15.1.
Variant type: single nucleotide variant.
Coding change: c.586A>C on transcript NM_016013.4 (MANE Select); coding-DNA position 586, A replaced by C.
Protein change: p.Arg196=; no amino-acid change (arginine 196 retained).
Molecular consequence: synonymous variant. On other transcripts: non-coding transcript variant (1).
Genome position (GRCh38, 1-based): chr15:41,395,032, T>G on the plus strand (A>C on the coding strand, the complement: NDUFAF1 is on the minus strand). VCF-style: chr15-41395032-T-G. GRCh37 (hg19) VCF-style: chr15-41687230-T-G.
Identifiers: ClinVar variation 3049036 (VCV003049036.2), dbSNP rs554392341, ClinGen allele CA7491299.

ClinVar aggregate classification (germline): Likely benign (0 of 4 stars; one submission).

Conditions:
NDUFAF1-related disorder. Also called: NDUFAF1-related condition.

Allele frequency attached by ClinVar (database versions not stated): TOPMed 0.00002; gnomAD 0.00003; gnomAD exomes 0.00003; ExAC 0.00016.

Submission:

PreventionGenetics, part of Exact Sciences
Classification: Likely benign for NDUFAF1-related condition. Last evaluated: 2019-12-17. Review status: no assertion criteria provided. Collection method: clinical testing. Allele origin: germline.
Comment: This variant is classified as likely benign based on ACMG/AMP sequence variant interpretation guidelines (Richards et al. 2015 PMID: 25741868, with internal and published modifications).